The following is an entry in ClinVar:

ClinVar aggregate classification (germline): Uncertain significance. Review status: criteria provided, multiple submitters, no conflicts (2 of 4 stars). 2 submissions from 2 submitters: Uncertain significance (2). Last evaluated 2024-09-12.

Allele frequency attached by ClinVar (database versions not stated): gnomAD exomes 0.00001.
gnomAD v4.1: 3 of 1,598,582 alleles (0.00019%); highest among the groups gnomAD compares: Non-Finnish European, 0.00025%; no homozygotes.

Submissions (2):

Blueprint Genetics
Classification: Uncertain significance. Last evaluated: 2024-09-12. Review status: criteria provided, single submitter. Criteria: ACMG Guidelines, 2015. Collection method: clinical testing. Allele origin: germline.

Labcorp Genetics (formerly Invitae), Labcorp
Classification: Uncertain significance. Last evaluated: 2024-05-20. Review status: criteria provided, single submitter. Criteria: Invitae Variant Classification Sherloc (09022015). Collection method: clinical testing. Allele origin: germline.
Comment: This sequence change replaces alanine, which is neutral and non-polar, with threonine, which is neutral and polar, at codon 1410 of the MAST1 protein (p.Ala1410Thr). This variant is not present in population databases (gnomAD no frequency). This variant has not been reported in the literature in individuals affected with MAST1-related conditions. ClinVar contains an entry for this variant (Variation ID: 2174520). An algorithm developed to predict the effect of missense changes on protein structure and function (PolyPhen-2) suggests that this variant is likely to be tolerated. In summary, the available evidence is currently insufficient to determine the role of this variant in disease. Therefore, it has been classified as a Variant of Uncertain Significance.

NM_014975.3(MAST1):c.4228G>A (p.Ala1410Thr)

Gene: MAST1 (microtubule associated serine/threonine kinase 1; plus strand). Cytogenetic location: 19p13.13.
Variant type: single nucleotide variant.
Coding change: c.4228G>A on transcript NM_014975.3 (MANE Select); coding-DNA position 4228, G replaced by A.
Protein change: p.Ala1410Thr; replaces alanine 1410 with threonine.
Molecular consequence: missense variant.
Genome position (GRCh38, 1-based): chr19:12,874,385, G>A. VCF-style: chr19-12874385-G-A. GRCh37 (hg19) VCF-style: chr19-12985199-G-A.
Other names: short protein forms A1410T.
Identifiers: ClinVar variation 2174520 (VCV002174520.5), dbSNP rs2512545647, ClinGen allele CA404290897.
Genomic context (GRCh38, chr19:12,874,385, plus strand): 5'-CGGCATCAGAGCGTGCAGACGGAGGATGGCACTGGCGGGATGGCCAGGGCTGTGGCCAAG[G>A]CGGCGCTGAGCCCGGTGCAGGAACACGAGACAGGCCGGCGCAGCAGCTCTGGCGAGGCGG-3'
Protein context (NP_055790.1, residues 1400-1420): TGGMARAVAK[Ala1410Thr]ALSPVQEHET